The following is an entry in ClinVar:

NM_003743.5(NCOA1):c.607C>T (p.Pro203Ser)

Gene: NCOA1 (nuclear receptor coactivator 1; plus strand). Cytogenetic location: 2p23.3.
Variant type: single nucleotide variant.
Coding change: c.607C>T on transcript NM_003743.5 (MANE Select); coding-DNA position 607, C replaced by T.
Protein change: p.Pro203Ser; replaces proline 203 with serine.
Molecular consequence: missense variant.
Genome position (GRCh38, 1-based): chr2:24,691,555, C>T. VCF-style: chr2-24691555-C-T. GRCh37 (hg19) VCF-style: chr2-24914424-C-T.
Other names: c.607C>T, p.Pro203Ser (NM_001362950.1, NM_001362952.1, NM_001362954.1 and 3 more transcripts); short protein forms P203S.
Identifiers: ClinVar variation 3351141 (VCV003351141.1).
Genomic context (GRCh38, chr2:24,691,555, plus strand): 5'-TGGCCTCAAGAGGCAACACGACGAAATAGCCATACCTTTAACTGCAGGATGCTAATTCAC[C>T]CTCCAGATGAGCCAGGGACCGAGAACCAAGAAGCTTGCCAGCGTTATGAAGTAATGCAGT-3'
Protein context (NP_003734.3, residues 193-213): HTFNCRMLIH[Pro203Ser]PDEPGTENQE

ClinVar aggregate classification (germline): Uncertain significance (0 of 4 stars; one submission).

Conditions:
NCOA1-related disorder. Also called: NCOA1-related condition.

gnomAD v4.1: 15 of 1,613,960 alleles (0.00093%); highest among the groups gnomAD compares: East Asian, 0.0022%; no homozygotes.

Submission:

PreventionGenetics, part of Exact Sciences
Classification: Uncertain significance for NCOA1-related condition. Last evaluated: 2024-03-22. Review status: no assertion criteria provided. Collection method: clinical testing. Allele origin: germline.
Comment: The NCOA1 c.607C>T variant is predicted to result in the amino acid substitution p.Pro203Ser. To our knowledge, this variant has not been reported in the literature. This variant is reported in 0.0023% of alleles in individuals of European (Non-Finnish) descent in gnomAD. At this time, the clinical significance of this variant is uncertain due to the absence of conclusive functional and genetic evidence.